The following is an entry in ClinVar:

ClinVar aggregate classification (germline): Uncertain significance. Review status: criteria provided, multiple submitters, no conflicts (2 of 4 stars). 2 submissions from 2 submitters: Uncertain significance (2). Last evaluated 2025-05-01.

Conditions:
Inborn genetic diseases. Identifiers: MedGen C0950123, MeSH D030342.
Lethal multiple pterygium syndrome (LMPS). Identifiers: Orphanet 33108, MedGen C1854678, MONDO:0009668, OMIM 253290.

Allele frequency attached by ClinVar (database versions not stated): gnomAD 0.00001; TOPMed 0.00001; gnomAD exomes 0.00002; ExAC 0.00003.

Submissions (2):

Labcorp Genetics (formerly Invitae), Labcorp
Classification: Uncertain significance for Lethal multiple pterygium syndrome. Last evaluated: 2025-05-01. Review status: criteria provided, single submitter. Criteria: Invitae Variant Classification Sherloc (09022015). Collection method: clinical testing. Allele origin: germline.
Comment: This sequence change replaces valine, which is neutral and non-polar, with isoleucine, which is neutral and non-polar, at codon 315 of the CHRNA1 protein (p.Val315Ile). This variant is present in population databases (rs537285154, gnomAD 0.01%). This variant has not been reported in the literature in individuals affected with CHRNA1-related conditions. ClinVar contains an entry for this variant (Variation ID: 2722981). Invitae Evidence Modeling of protein sequence and biophysical properties (such as structural, functional, and spatial information, amino acid conservation, physicochemical variation, residue mobility, and thermodynamic stability) indicates that this missense variant is not expected to disrupt CHRNA1 protein function with a negative predictive value of 80%. In summary, the available evidence is currently insufficient to determine the role of this variant in disease. Therefore, it has been classified as a Variant of Uncertain Significance.

Ambry Genetics
Classification: Uncertain significance for Inborn genetic diseases. Last evaluated: 2025-01-27. Review status: criteria provided, single submitter. Criteria: Ambry Variant Classification Scheme 2023. Collection method: clinical testing. Allele origin: germline.

NM_000079.4(CHRNA1):c.943G>A (p.Val315Ile)

Gene: CHRNA1 (cholinergic receptor nicotinic alpha 1 subunit; minus strand). Cytogenetic location: 2q31.1.
Variant type: single nucleotide variant.
Coding change: c.943G>A on transcript NM_000079.4 (MANE Select); coding-DNA position 943, G replaced by A.
Protein change: p.Val315Ile; replaces valine 315 with isoleucine.
Molecular consequence: missense variant.
Genome position (GRCh38, 1-based): chr2:174,750,005, C>T on the plus strand (G>A on the coding strand, the complement: CHRNA1 is on the minus strand). VCF-style: chr2-174750005-C-T. GRCh37 (hg19) VCF-style: chr2-175614733-C-T.
Other names: c.943G>A (NM_000079.3); c.1018G>A, p.Val340Ile (NM_001039523.3); short protein forms V340I, V315I.
Identifiers: ClinVar variation 2722981 (VCV002722981.4), dbSNP rs537285154, ClinGen allele CA1974420.